The following is an entry in ClinVar:

ClinVar aggregate classification (germline): Uncertain significance (1 of 4 stars; one submission).

Conditions:
Inborn genetic diseases. Identifiers: MedGen C0950123, MeSH D030342.

Submission:

Ambry Genetics
Classification: Uncertain significance for Inborn genetic diseases. Last evaluated: 2025-04-06. Review status: criteria provided, single submitter. Criteria: Ambry Variant Classification Scheme 2023. Collection method: clinical testing. Allele origin: germline.
Comment: The p.R365L variant (also known as c.1094G>T), located in coding exon 5 of the RECQL4 gene, results from a G to T substitution at nucleotide position 1094. The arginine at codon 365 is replaced by leucine, an amino acid with dissimilar properties. This amino acid position is conserved. In addition, this alteration is predicted to be tolerated by in silico analysis. Based on the available evidence, the clinical significance of this variant remains unclear.

NM_004260.4(RECQL4):c.1094G>T (p.Arg365Leu)

Gene: RECQL4 (RecQ like helicase 4; minus strand). Cytogenetic location: 8q24.3.
Variant type: single nucleotide variant.
Coding change: c.1094G>T on transcript NM_004260.4 (MANE Select); coding-DNA position 1094, G replaced by T.
Protein change: p.Arg365Leu; replaces arginine 365 with leucine.
Molecular consequence: missense variant. On other transcripts: 5 prime UTR variant (6), non-coding transcript variant (3).
Genome position (GRCh38, 1-based): chr8:144,516,025, C>A on the plus strand (G>T on the coding strand, the complement: RECQL4 is on the minus strand). VCF-style: chr8-144516025-C-A. GRCh37 (hg19) VCF-style: chr8-145741409-C-A.
Other names: c.998G>T, p.Arg333Leu (NM_001413017.1, NM_001413020.1); c.1094G>T, p.Arg365Leu (NM_001413018.1, NM_001413019.1, NM_001413033.1 and 2 more transcripts); c.23G>T, p.Arg8Leu (NM_001413021.1, NM_001413022.1, NM_001413023.1 and 8 more transcripts); c.965G>T, p.Arg322Leu (NM_001413025.1); c.-40G>T (NM_001413027.1, NM_001413030.1, NM_001413031.1 and 2 more transcripts); c.743G>T, p.Arg248Leu (NM_001413029.1); c.-247G>T (NM_001413043.1); short protein forms R8L, R322L, R248L, R333L, R365L.
Identifiers: ClinVar variation 3944270 (VCV003944270.1).